The following is an entry in ClinVar:

ClinVar aggregate classification (germline): Uncertain significance. Review status: criteria provided, multiple submitters, no conflicts (2 of 4 stars). 3 submissions from 3 submitters: Uncertain significance (3). Last evaluated 2025-11-28.

Conditions:
Inborn genetic diseases. Identifiers: MedGen C0950123, MeSH D030342.

Allele frequency attached by ClinVar (database versions not stated): ExAC 0.00001; gnomAD 0.00010; TOPMed 0.00011.
gnomAD v4.1: 34 of 1,612,464 alleles (0.0021%); highest among the groups gnomAD compares: Admixed American, 0.05%; no homozygotes.

Submissions (3):

Mayo Clinic Laboratories, Mayo Clinic
Classification: Uncertain significance. Last evaluated: 2025-11-28. Review status: criteria provided, single submitter. Criteria: ACMG Guidelines, 2015. Collection method: clinical testing. Allele origin: germline. Observed: 1 variant allele.

Ambry Genetics
Classification: Uncertain significance for Inborn genetic diseases. Last evaluated: 2025-08-28. Review status: criteria provided, single submitter. Criteria: Ambry Variant Classification Scheme 2023. Collection method: clinical testing. Allele origin: germline.

Labcorp Genetics (formerly Invitae), Labcorp
Classification: Uncertain significance. Last evaluated: 2024-12-09. Review status: criteria provided, single submitter. Criteria: Invitae Variant Classification Sherloc (09022015). Collection method: clinical testing. Allele origin: germline.
Comment: This sequence change replaces valine, which is neutral and non-polar, with leucine, which is neutral and non-polar, at codon 236 of the GFM2 protein (p.Val236Leu). This variant is present in population databases (rs778047131, gnomAD 0.05%). This variant has not been reported in the literature in individuals affected with GFM2-related conditions. ClinVar contains an entry for this variant (Variation ID: 2200819). Invitae Evidence Modeling of protein sequence and biophysical properties (such as structural, functional, and spatial information, amino acid conservation, physicochemical variation, residue mobility, and thermodynamic stability) indicates that this missense variant is not expected to disrupt GFM2 protein function with a negative predictive value of 80%. In summary, the available evidence is currently insufficient to determine the role of this variant in disease. Therefore, it has been classified as a Variant of Uncertain Significance.

NM_032380.5(GFM2):c.706G>T (p.Val236Leu)

Gene: GFM2 (GTP dependent ribosome recycling factor mitochondrial 2; minus strand). Cytogenetic location: 5q13.3.
Variant type: single nucleotide variant.
Coding change: c.706G>T on transcript NM_032380.5 (MANE Select); coding-DNA position 706, G replaced by T.
Protein change: p.Val236Leu; replaces valine 236 with leucine.
Molecular consequence: missense variant. On other transcripts: non-coding transcript variant (1).
Genome position (GRCh38, 1-based): chr5:74,745,821, C>A on the plus strand (G>T on the coding strand, the complement: GFM2 is on the minus strand). VCF-style: chr5-74745821-C-A. GRCh37 (hg19) VCF-style: chr5-74041646-C-A.
Other names: p.Val236Leu; c.706G>T (NM_032380.3); c.802G>T, p.Val268Leu (NM_001281302.2); c.706G>T, p.Val236Leu (NM_170681.3, NM_170691.3); short protein forms V268L, V236L.
Identifiers: ClinVar variation 2200819 (VCV002200819.6), dbSNP rs778047131, ClinGen allele CA3306702.